The following is an entry in ClinVar:

ClinVar aggregate classification (germline): Uncertain significance. Review status: criteria provided, multiple submitters, no conflicts (2 of 4 stars). 2 submissions from 2 submitters: Uncertain significance (2). Last evaluated 2024-02-23.

Conditions:
LAMA2-related muscular dystrophy (LAMA2-RD). Also called: Laminin alpha 2-related dystrophy. Identifiers: MedGen C5679788, MONDO:0100228.

gnomAD v4.1: 4 of 1,613,512 alleles (0.00025%); highest among the groups gnomAD compares: Admixed American, 0.0017%; no homozygotes.

Submissions (2):

Labcorp Genetics (formerly Invitae), Labcorp
Classification: Uncertain significance for LAMA2-related muscular dystrophy. Last evaluated: 2024-02-23. Review status: criteria provided, single submitter. Criteria: Invitae Variant Classification Sherloc (09022015). Collection method: clinical testing. Allele origin: germline.
Comment: This sequence change replaces isoleucine, which is neutral and non-polar, with valine, which is neutral and non-polar, at codon 2243 of the LAMA2 protein (p.Ile2243Val). This variant is present in population databases (no rsID available, gnomAD 0.003%). This variant has not been reported in the literature in individuals affected with LAMA2-related conditions. ClinVar contains an entry for this variant (Variation ID: 2160960). Advanced modeling of protein sequence and biophysical properties (such as structural, functional, and spatial information, amino acid conservation, physicochemical variation, residue mobility, and thermodynamic stability) performed at Invitae indicates that this missense variant is not expected to disrupt LAMA2 protein function with a negative predictive value of 95%. In summary, the available evidence is currently insufficient to determine the role of this variant in disease. Therefore, it has been classified as a Variant of Uncertain Significance.

Revvity Omics, Revvity
Classification: Uncertain significance. Last evaluated: 2019-06-03. Review status: criteria provided, single submitter. Criteria: ACMG Guidelines, 2015. Collection method: clinical testing. Allele origin: germline.

NM_000426.4(LAMA2):c.6727A>G (p.Ile2243Val)

Gene: LAMA2 (laminin subunit alpha 2; plus strand). Cytogenetic location: 6q22.33.
Variant type: single nucleotide variant.
Coding change: c.6727A>G on transcript NM_000426.4 (MANE Select); coding-DNA position 6727, A replaced by G.
Protein change: p.Ile2243Val; replaces isoleucine 2243 with valine.
Molecular consequence: missense variant.
Genome position (GRCh38, 1-based): chr6:129,456,354, A>G. VCF-style: chr6-129456354-A-G. GRCh37 (hg19) VCF-style: chr6-129777499-A-G.
Other names: c.6727A>G, p.Ile2243Val (NM_001079823.2); short protein forms I2243V.
Identifiers: ClinVar variation 2160960 (VCV002160960.7), dbSNP rs1446174244, ClinGen allele CA365618067.